The following is an entry in ClinVar:

NM_001365536.1(SCN9A):c.196A>G (p.Ile66Val)

Gene: SCN9A (sodium voltage-gated channel alpha subunit 9; minus strand). Cytogenetic location: 2q24.3.
Variant type: single nucleotide variant.
Coding change: c.196A>G on transcript NM_001365536.1 (MANE Select); coding-DNA position 196, A replaced by G.
Protein change: p.Ile66Val; replaces isoleucine 66 with valine.
Molecular consequence: missense variant.
Genome position (GRCh38, 1-based): chr2:166,311,561, T>C on the plus strand (A>G on the coding strand, the complement: SCN9A is on the minus strand). VCF-style: chr2-166311561-T-C. GRCh37 (hg19) VCF-style: chr2-167168071-T-C.
Other names: c.196A>G, p.Ile66Val (NM_002977.4); short protein forms I66V.
Identifiers: ClinVar variation 3760814 (VCV003760814.2).

ClinVar aggregate classification (germline): Uncertain significance (1 of 4 stars; one submission).

Conditions:
Neuropathy, hereditary sensory and autonomic, type 2A (HSAN2A). Also called: HSAN IIA; ACROOSTEOLYSIS, GIACCAI TYPE; ACROOSTEOLYSIS, NEUROGENIC; MORVAN DISEASE; NEUROPATHY, CONGENITAL SENSORY; NEUROPATHY, HEREDITARY SENSORY RADICULAR, AUTOSOMAL RECESSIVE. Identifiers: Orphanet 970, MedGen C2752089, MONDO:0024309, OMIM 201300.
Generalized epilepsy with febrile seizures plus, type 7 (GEFSP7). Also called: GEFS+, TYPE 7. Identifiers: Orphanet 36387, MedGen C2751778, MONDO:0013470, OMIM 613863.

Submission:

Labcorp Genetics (formerly Invitae), Labcorp
Classification: Uncertain significance for Neuropathy, hereditary sensory and autonomic, type 2A; Generalized epilepsy with febrile seizures plus, type 7. Last evaluated: 2024-08-13. Review status: criteria provided, single submitter. Criteria: Invitae Variant Classification Sherloc (09022015). Collection method: clinical testing. Allele origin: germline.
Comment: This sequence change replaces isoleucine, which is neutral and non-polar, with valine, which is neutral and non-polar, at codon 66 of the SCN9A protein (p.Ile66Val). This variant is not present in population databases (gnomAD no frequency). This variant has not been reported in the literature in individuals affected with SCN9A-related conditions. Invitae Evidence Modeling of protein sequence and biophysical properties (such as structural, functional, and spatial information, amino acid conservation, physicochemical variation, residue mobility, and thermodynamic stability) indicates that this missense variant is not expected to disrupt SCN9A protein function with a negative predictive value of 95%. In summary, the available evidence is currently insufficient to determine the role of this variant in disease. Therefore, it has been classified as a Variant of Uncertain Significance.